The following is an entry in ClinVar:

ClinVar aggregate classification (germline): Pathogenic (1 of 4 stars; one submission).

Submission:

Labcorp Genetics (formerly Invitae), Labcorp
Classification: Pathogenic. Last evaluated: 2024-02-06. Review status: criteria provided, single submitter. Criteria: Invitae Variant Classification Sherloc (09022015). Collection method: clinical testing. Allele origin: germline.
Comment: This sequence change creates a premature translational stop signal (p.Pro687Leufs*2) in the PROM1 gene. It is expected to result in an absent or disrupted protein product. Loss-of-function variants in PROM1 are known to be pathogenic (PMID: 17605048, 19718270, 24154662, 25474345). This variant is not present in population databases (gnomAD no frequency). This variant has not been reported in the literature in individuals affected with PROM1-related conditions. For these reasons, this variant has been classified as Pathogenic.

Literature cited by the submitters: PubMed 17605048; PubMed 19718270; PubMed 24154662; PubMed 25474345.

NM_006017.3(PROM1):c.2058del (p.Pro687fs)

Gene: PROM1 (prominin 1; minus strand). Cytogenetic location: 4p15.32.
Variant type: Deletion.
Coding change: c.2058del on transcript NM_006017.3 (MANE Select); coding-DNA position 2058, one base deleted (T; older notation c.2058delT).
Protein change: p.Pro687fs; shifts the reading frame from proline 687.
Molecular consequence: frameshift variant.
Genome position (GRCh38, 1-based): chr4:15,989,750, A deleted on the plus strand (T on the coding strand, the reverse complement: PROM1 is on the minus strand); the first of 2 consecutive A bases (chr4:15,989,750-15,989,751); deleting either gives the same sequence. VCF-style (leftmost placement, unchanged base first): chr4-15989749-GA-G. GRCh37 (hg19) VCF-style: chr4-15991372-GA-G.
Other names: c.2031del, p.Pro678fs (NM_001371408.1, NM_001371406.1, NM_001371407.1 and 4 more transcripts); c.2058del, p.Pro687fs (NM_001145849.2, NM_001145850.2); short protein forms P678fs, P687fs.
Identifiers: ClinVar variation 3639196 (VCV003639196.2).